The following is an entry in ClinVar:

ClinVar aggregate classification (germline): Uncertain significance (1 of 4 stars; one submission).

Submission:

GeneDx
Classification: Uncertain significance. Last evaluated: 2023-05-01. Review status: criteria provided, single submitter. Criteria: GeneDx Variant Classification Process June 2021. Collection method: clinical testing. Allele origin: germline. Affected: yes.
Comment: Not observed at significant frequency in large population cohorts (gnomAD); Missense variants in this gene are often considered pathogenic (HGMD); In silico analysis supports that this missense variant has a deleterious effect on protein structure/function; This substitution is predicted to be in the cytoplasmic loop between the first and second homologous domains.; Has not been previously published as pathogenic or benign to our knowledge

NM_001165963.4(SCN1A):c.1511G>C (p.Arg504Thr)

Gene: SCN1A (sodium voltage-gated channel alpha subunit 1; minus strand). Cytogenetic location: 2q24.3.
Variant type: single nucleotide variant.
Coding change: c.1511G>C on transcript NM_001165963.4 (MANE Select); coding-DNA position 1511, G replaced by C.
Protein change: p.Arg504Thr; replaces arginine 504 with threonine.
Molecular consequence: missense variant. On other transcripts: 5 prime UTR variant (1), non-coding transcript variant (1).
Genome position (GRCh38, 1-based): chr2:166,045,194, C>G on the plus strand (G>C on the coding strand, the complement: SCN1A is on the minus strand). VCF-style: chr2-166045194-C-G. GRCh37 (hg19) VCF-style: chr2-166901704-C-G.
Other names: c.1511G>C, p.Arg504Thr (NM_001165964.3, NM_001202435.3, NM_001353948.2 and 7 more transcripts); c.1508G>C, p.Arg503Thr (NM_001353954.2, NM_001353955.2, NM_001353960.2); c.-915G>C (NM_001353961.2); short protein forms R503T, R504T.
Identifiers: ClinVar variation 2663682 (VCV002663682.1), dbSNP rs2105851522, ClinGen allele CA349069551.
Genomic context (GRCh38, chr2:166,045,194, plus strand): 5'-TCAGATTTTTGGAATTCATCCTCATCTTTCTCTTCCCCACCAGACTGCTCTTTCTGTTTT[C>G]TTTTCTTCCTCCGATTTCTTCTTTCCTTAGCACTCTTGGAACTCAACTTAGAGGCTTCAG-3'
Protein context (NP_001159435.1, residues 494-514): AKERRNRRKK[Arg504Thr]KQKEQSGGEE